The following is an entry in ClinVar:

ClinVar aggregate classification (germline): Uncertain significance (1 of 4 stars; one submission).

gnomAD v4.1: 1 of 1,613,860 alleles (0.000062%); no homozygotes.

Submission:

Labcorp Genetics (formerly Invitae), Labcorp
Classification: Uncertain significance. Last evaluated: 2022-04-18. Review status: criteria provided, single submitter. Criteria: Invitae Variant Classification Sherloc (09022015). Collection method: clinical testing. Allele origin: germline.
Comment: This variant has not been reported in the literature in individuals affected with CCDC88A-related conditions. In summary, the available evidence is currently insufficient to determine the role of this variant in disease. Therefore, it has been classified as a Variant of Uncertain Significance. Algorithms developed to predict the effect of missense changes on protein structure and function (SIFT, PolyPhen-2, Align-GVGD) all suggest that this variant is likely to be tolerated. This variant is not present in population databases (gnomAD no frequency). This sequence change replaces alanine, which is neutral and non-polar, with glycine, which is neutral and non-polar, at codon 227 of the CCDC88A protein (p.Ala227Gly).

NM_001365480.1(CCDC88A):c.680C>G (p.Ala227Gly)

Gene: CCDC88A (coiled-coil and HOOK domain protein 88A; minus strand). Cytogenetic location: 2p16.1.
Variant type: single nucleotide variant.
Coding change: c.680C>G on transcript NM_001365480.1 (MANE Select); coding-DNA position 680, C replaced by G.
Protein change: p.Ala227Gly; replaces alanine 227 with glycine.
Molecular consequence: missense variant.
Genome position (GRCh38, 1-based): chr2:55,355,699, G>C on the plus strand (C>G on the coding strand, the complement: CCDC88A is on the minus strand). VCF-style: chr2-55355699-G-C. GRCh37 (hg19) VCF-style: chr2-55582835-G-C.
Other names: c.680C>G, p.Ala227Gly (NM_001135597.2, NM_001254943.2, NM_018084.5); short protein forms A227G.
Identifiers: ClinVar variation 2123426 (VCV002123426.4), dbSNP rs930241575, ClinGen allele CA346910039.